The following is an entry in ClinVar:

NM_000660.7(TGFB1):c.786_791delinsTGCTTCACCAT (p.Thr263fs)

Gene: TGFB1 (transforming growth factor beta 1; minus strand). Cytogenetic location: 19q13.2.
Variant type: Indel.
Coding change: c.786_791delinsTGCTTCACCAT on transcript NM_000660.7 (MANE Select); coding-DNA positions 786 to 791, CACCCC replaced by TGCTTCACCAT.
Protein change: p.Thr263fs; shifts the reading frame from threonine 263.
Molecular consequence: frameshift variant.
Genome position (GRCh38, 1-based): chr19:41,341,952-41,341,957, GGGGTG replaced by ATGGTGAAGCA on the plus strand (CACCCC replaced by TGCTTCACCAT on the coding strand, the reverse complement: TGFB1 is on the minus strand). VCF-style: chr19-41341952-GGGGTG-ATGGTGAAGCA. GRCh37 (hg19) VCF-style: chr19-41847857-GGGGTG-ATGGTGAAGCA.
Other names: short protein forms T263fs.
Identifiers: ClinVar variation 1803553 (VCV001803553.1), dbSNP rs2513381200, ClinGen allele CA2580097280.

ClinVar aggregate classification (germline): Uncertain significance (1 of 4 stars; one submission).

Submission:

GeneDx
Classification: Uncertain significance. Last evaluated: 2022-06-09. Review status: criteria provided, single submitter. Criteria: GeneDx Variant Classification Process June 2021. Collection method: clinical testing. Allele origin: germline. Affected: yes.
Comment: Not observed at significant frequency in large population cohorts (gnomAD); Frameshift variant predicted to result in protein truncation, as the last 128 amino acids are replaced with 121 different amino acids; Has not been previously published as pathogenic or benign to our knowledge